The following is an entry in ClinVar:

ClinVar aggregate classification (germline): Uncertain significance. Review status: criteria provided, multiple submitters, no conflicts (2 of 4 stars). 2 submissions from 2 submitters: Uncertain significance (2). Last evaluated 2025-06-22.

Conditions:
Hereditary cancer-predisposing syndrome. Also called: Tumor predisposition; Hereditary neoplastic syndrome; Neoplastic Syndromes, Hereditary; Hereditary Cancer Syndrome. Identifiers: Orphanet 140162, MedGen C0027672, MeSH D009386, MONDO:0015356.
DICER1-related tumor predisposition. Also called: DICER1 syndrome; DICER1-related pleuropulmonary blastoma cancer predisposition syndrome. Identifiers: Orphanet 284343, MedGen C3839822, MONDO:0100216.

Submissions (2):

Ambry Genetics
Classification: Uncertain significance for Hereditary cancer-predisposing syndrome. Last evaluated: 2025-06-22. Review status: criteria provided, single submitter. Criteria: Ambry Variant Classification Scheme 2023. Collection method: clinical testing. Allele origin: germline.
Comment: The p.N101H variant (also known as c.301A>C), located in coding exon 2 of the DICER1 gene, results from an A to C substitution at nucleotide position 301. The asparagine at codon 101 is replaced by histidine, an amino acid with similar properties. This amino acid position is conserved. In addition, this alteration is predicted to be tolerated by in silico analysis. Based on the available evidence, the clinical significance of this variant remains unclear.

Labcorp Genetics (formerly Invitae), Labcorp
Classification: Uncertain significance for DICER1-related tumor predisposition. Last evaluated: 2021-01-24. Review status: criteria provided, single submitter. Criteria: Invitae Variant Classification Sherloc (09022015). Collection method: clinical testing. Allele origin: germline.
Comment: In summary, the available evidence is currently insufficient to determine the role of this variant in disease. Therefore, it has been classified as a Variant of Uncertain Significance. Algorithms developed to predict the effect of missense changes on protein structure and function (SIFT, PolyPhen-2, Align-GVGD) all suggest that this variant is likely to be tolerated, but these predictions have not been confirmed by published functional studies and their clinical significance is uncertain. This variant has not been reported in the literature in individuals with DICER1-related conditions. This variant is not present in population databases (ExAC no frequency). This sequence change replaces asparagine with histidine at codon 101 of the DICER1 protein (p.Asn101His). The asparagine residue is highly conserved and there is a small physicochemical difference between asparagine and histidine.

NM_177438.3(DICER1):c.301A>C (p.Asn101His)

Gene: DICER1 (dicer 1, ribonuclease III; minus strand). Cytogenetic location: 14q32.13.
Variant type: single nucleotide variant.
Coding change: c.301A>C on transcript NM_177438.3 (MANE Select); coding-DNA position 301, A replaced by C.
Protein change: p.Asn101His; replaces asparagine 101 with histidine.
Molecular consequence: missense variant.
Genome position (GRCh38, 1-based): chr14:95,132,521, T>G on the plus strand (A>C on the coding strand, the complement: DICER1 is on the minus strand). VCF-style: chr14-95132521-T-G. GRCh37 (hg19) VCF-style: chr14-95598858-T-G.
Other names: c.301A>C (NM_177438.2); c.301A>C, p.Asn101His (NM_001195573.1, NM_001271282.3, NM_001291628.2 and 1 more transcripts); short protein forms N101H.
Identifiers: ClinVar variation 1503245 (VCV001503245.10), dbSNP rs2140287141, ClinGen allele CA390889621.